The following is an entry in ClinVar:

ClinVar aggregate classification (germline): Uncertain significance (1 of 4 stars; one submission).

Submission:

Labcorp Genetics (formerly Invitae), Labcorp
Classification: Uncertain significance. Last evaluated: 2025-01-23. Review status: criteria provided, single submitter. Criteria: Invitae Variant Classification Sherloc (09022015). Collection method: clinical testing. Allele origin: germline.
Comment: This sequence change replaces leucine, which is neutral and non-polar, with phenylalanine, which is neutral and non-polar, at codon 147 of the TNFRSF9 protein (p.Leu147Phe). This variant is not present in population databases (gnomAD no frequency). This variant has not been reported in the literature in individuals affected with TNFRSF9-related conditions. An algorithm developed to predict the effect of missense changes on protein structure and function (PolyPhen-2) suggests that this variant is likely to be disruptive. In summary, the available evidence is currently insufficient to determine the role of this variant in disease. Therefore, it has been classified as a Variant of Uncertain Significance.

NM_001561.6(TNFRSF9):c.439C>T (p.Leu147Phe)

Gene: TNFRSF9 (TNF receptor superfamily member 9; minus strand). Cytogenetic location: 1p36.23.
Variant type: single nucleotide variant.
Coding change: c.439C>T on transcript NM_001561.6 (MANE Select); coding-DNA position 439, C replaced by T.
Protein change: p.Leu147Phe; replaces leucine 147 with phenylalanine.
Molecular consequence: missense variant.
Genome position (GRCh38, 1-based): chr1:7,935,118, G>A on the plus strand (C>T on the coding strand, the complement: TNFRSF9 is on the minus strand). VCF-style: chr1-7935118-G-A. GRCh37 (hg19) VCF-style: chr1-7995178-G-A.
Other names: short protein forms L147F.
Identifiers: ClinVar variation 3673791 (VCV003673791.2).